The following is an entry in ClinVar:

ClinVar aggregate classification (germline): Pathogenic. Review status: criteria provided, single submitter (1 of 4 stars). 2 submissions from 2 submitters: Pathogenic (1). 1 of the submissions does not count toward it. Last evaluated 2020-06-02.

Conditions:
ATP6V0A4-related disorder. Also called: ATP6V0A4-related condition.

Submissions (2):

Blueprint Genetics
Classification: Pathogenic for ATP6V0A4-related disorders. Last evaluated: 2020-06-02. Review status: criteria provided, single submitter. Criteria: ACMG Guidelines, 2015. Collection method: clinical testing. Allele origin: germline. Affected: yes. Observed: 4 variant alleles.

PreventionGenetics, part of Exact Sciences
Classification: Pathogenic for ATP6V0A4-related condition. Last evaluated: 2024-01-31. Review status: no assertion criteria provided. Collection method: clinical testing. Allele origin: germline. Not counted in ClinVar's aggregate classification.
Comment: The ATP6V0A4 c.338delA variant is predicted to result in a frameshift and premature protein termination (p.Asn113Thrfs*5). This variant was reported in the homozygous state in an individual with autosomal recessive distal renal tubular acidosis (Stover et al 2002. PubMed ID: 12414817). This variant has not been reported in a large population database, indicating this variant is rare. Frameshift variants in ATP6V0A4 are expected to be pathogenic. This variant is interpreted as pathogenic.

NM_020632.3(ATP6V0A4):c.338del (p.Asn113fs)

Gene: ATP6V0A4 (ATPase H+ transporting V0 subunit a4; minus strand). Cytogenetic location: 7q34.
Variant type: Deletion.
Coding change: c.338del on transcript NM_020632.3 (MANE Select); coding-DNA position 338, one base deleted (A; older notation c.338delA).
Protein change: p.Asn113fs; shifts the reading frame from asparagine 113.
Molecular consequence: frameshift variant.
Genome position (GRCh38, 1-based): chr7:138,762,979, T deleted on the plus strand (A on the coding strand, the reverse complement: ATP6V0A4 is on the minus strand); the first of 2 consecutive T bases (chr7:138,762,979-138,762,980); deleting either gives the same sequence. VCF-style (leftmost placement, unchanged base first): chr7-138762978-GT-G. GRCh37 (hg19) VCF-style: chr7-138447723-GT-G.
Other names: c.338del, p.Asn113fs (NM_130840.3, NM_130841.3); short protein forms N113fs.
Identifiers: ClinVar variation 3034523 (VCV003034523.3), dbSNP rs2485268325, ClinGen allele CA658820830.